The following is an entry in ClinVar:

NM_000064.4(C3):c.200T>C (p.Leu67Pro)

Gene: C3 (complement C3; minus strand). Cytogenetic location: 19p13.3.
Variant type: single nucleotide variant.
Coding change: c.200T>C on transcript NM_000064.4 (MANE Select); coding-DNA position 200, T replaced by C.
Protein change: p.Leu67Pro; replaces leucine 67 with proline.
Molecular consequence: missense variant.
Genome position (GRCh38, 1-based): chr19:6,719,278, A>G on the plus strand (T>C on the coding strand, the complement: C3 is on the minus strand). VCF-style: chr19-6719278-A-G. GRCh37 (hg19) VCF-style: chr19-6719289-A-G.
Other names: short protein forms L67P.
Identifiers: ClinVar variation 4280261 (VCV004280261.1).

ClinVar aggregate classification (germline): Uncertain significance (1 of 4 stars; one submission).

Conditions:
Atypical hemolytic-uremic syndrome. Identifiers: Orphanet 2134, MedGen C2931788, MONDO:0016244.

Submission:

Genomenon, Inc
Classification: Uncertain significance for Atypical hemolytic-uremic syndrome. Last evaluated: 2025-09-30. Review status: criteria provided, single submitter. Criteria: Genomenon Sequence Variant Interpretation Standards. Collection method: curation. Allele origin: germline. Affected: yes.
Comment: C3 p.Leu67Pro (c.200T>C) is a missense variant that changes the amino acid at residue 67 from Leucine to Proline. This variant has been observed in at least one proband affected with atypical hemolytic-uremic syndrome (PMID:25608561). It is absent or not present at a significant frequency in gnomAD. In silico models agree that this variant is not damaging. In conclusion, we classify C3 p.Leu67Pro (c.200T>C) as a variant of unknown significance.

Literature cited by the submitters: PubMed 25608561.